The following is an entry in ClinVar:

ClinVar aggregate classification (germline): Likely benign. Review status: criteria provided, multiple submitters, no conflicts (2 of 4 stars). 3 submissions from 3 submitters: Likely benign (3). Last evaluated 2025-09-16.

Conditions:
Hereditary breast ovarian cancer syndrome. Also called: Breast and ovarian cancer; Hereditary breast and ovarian cancer; Hereditary breast and/or ovarian cancer syndrome; BRCA1- and BRCA2-Associated Hereditary Breast and Ovarian Cancer; Hereditary breast and ovarian cancer syndrome (HBOC); Hereditary breast and ovarian cancer syndrome. Identifiers: Orphanet 145, MedGen C0677776, MeSH D061325, MONDO:0003582. Disease mechanism: loss of function.

Allele frequency attached by ClinVar (database versions not stated): gnomAD 0.00001; TOPMed 0.00001.
gnomAD v4.1: 3 of 1,566,194 alleles (0.00019%); highest among the groups gnomAD compares: African/African-American, 0.0027%; no homozygotes.

Submissions (3):

Labcorp Genetics (formerly Invitae), Labcorp
Classification: Likely benign for Hereditary breast ovarian cancer syndrome. Last evaluated: 2025-09-16. Review status: criteria provided, single submitter. Criteria: Invitae Variant Classification Sherloc (09022015). Collection method: clinical testing. Allele origin: germline.

Women's Health and Genetics/Laboratory Corporation of America, LabCorp
Classification: Likely benign. Last evaluated: 2024-12-11. Review status: criteria provided, single submitter. Criteria: LabCorp Variant Classification Summary - May 2015. Collection method: clinical testing. Allele origin: germline.

GeneDx
Classification: Likely benign. Last evaluated: 2017-12-04. Review status: criteria provided, single submitter. Criteria: GeneDx Variant Classification (06012015). Collection method: clinical testing. Allele origin: germline. Affected: yes.
Comment: This variant is considered likely benign or benign based on one or more of the following criteria: it is a conservative change, it occurs at a poorly conserved position in the protein, it is predicted to be benign by multiple in silico algorithms, and/or has population frequency not consistent with disease.

NM_000059.4(BRCA2):c.517-17A>G

Gene: BRCA2 (BRCA2 DNA repair associated; plus strand). Cytogenetic location: 13q13.1.
Variant type: single nucleotide variant.
Coding change: c.517-17A>G on transcript NM_000059.4 (MANE Select); 17 bases into the intron before coding-DNA position 517, A replaced by G.
Molecular consequence: intron variant.
Genome position (GRCh38, 1-based): chr13:32,326,482, A>G. VCF-style: chr13-32326482-A-G. GRCh37 (hg19) VCF-style: chr13-32900619-A-G.
Identifiers: ClinVar variation 415639 (VCV000415639.17), dbSNP rs1060504603, ClinGen allele CA16613807.